The following is an entry in ClinVar:

ClinVar aggregate classification (germline): Uncertain significance. Review status: criteria provided, multiple submitters, no conflicts (2 of 4 stars). 2 submissions from 2 submitters: Uncertain significance (2). Last evaluated 2024-12-09.

Conditions:
Primary ciliary dyskinesia 23 (CILD23). Also called: CILIARY DYSKINESIA, PRIMARY, 23, WITH OR WITHOUT SITUS INVERSUS. Identifiers: Orphanet 244, MedGen C3809548, MONDO:0014193, OMIM 615451.

Allele frequency attached by ClinVar (database versions not stated): ExAC 0.00002; gnomAD exomes 0.00004 and 0.00009; gnomAD 0.00006 and 0.00007; TOPMed 0.00006.
gnomAD v4.1: 134 of 1,604,706 alleles (0.0084%); highest among the groups gnomAD compares: Non-Finnish European, 0.011%; no homozygotes.

Submissions (2):

Labcorp Genetics (formerly Invitae), Labcorp
Classification: Uncertain significance for Primary ciliary dyskinesia 23. Last evaluated: 2024-12-09. Review status: criteria provided, single submitter. Criteria: Invitae Variant Classification Sherloc (09022015). Collection method: clinical testing. Allele origin: germline.
Comment: This sequence change falls in intron 5 of the ARMC4 gene. It does not directly change the encoded amino acid sequence of the ARMC4 protein. It affects a nucleotide within the consensus splice site. This variant is present in population databases (rs763523325, gnomAD 0.008%). This variant has not been reported in the literature in individuals affected with ARMC4-related conditions. ClinVar contains an entry for this variant (Variation ID: 474590). Variants that disrupt the consensus splice site are a relatively common cause of aberrant splicing (PMID: 17576681, 9536098). Algorithms developed to predict the effect of sequence changes on RNA splicing suggest that this variant is not likely to affect RNA splicing. In summary, the available evidence is currently insufficient to determine the role of this variant in disease. Therefore, it has been classified as a Variant of Uncertain Significance.

ARUP Laboratories, Molecular Genetics and Genomics, ARUP Laboratories
Classification: Uncertain significance for Primary ciliary dyskinesia 23. Last evaluated: 2024-04-08. Review status: criteria provided, single submitter. Criteria: ARUP Molecular Germline Variant Investigation Process 2024. Collection method: clinical testing. Allele origin: germline.
Comment: The ODAD2 c.682+3T>C variant (rs763523325), to our knowledge, is not reported in the medical literature but is reported in ClinVar (Variation ID: 474590). This variant is found in the non-Finnish population with an allele frequency of 0.008% (10/128,484 alleles) in the Genome Aggregation Database (v2.1.1). This is an intronic variant in a weakly conserved nucleotide, but computational analyses (Alamut Visual Plus v.1.5.1) predict that this variant may impact splicing by weakening the nearby canonical donor splice site. Due to limited information, the clinical significance of this variant is uncertain at this time.

Literature cited by the submitters: PubMed 17576681 (cited by Labcorp Genetics (formerly Invitae), Labcorp); PubMed 9536098 (cited by Labcorp Genetics (formerly Invitae), Labcorp).

NM_018076.5(ODAD2):c.682+3T>C

Gene: ODAD2 (outer dynein arm docking complex subunit 2; minus strand). Cytogenetic location: 10p12.1.
Variant type: single nucleotide variant.
Coding change: c.682+3T>C on transcript NM_018076.5 (MANE Select); 3 bases into the intron after coding-DNA position 682, T replaced by C.
Molecular consequence: intron variant.
Genome position (GRCh38, 1-based): chr10:27,984,181, A>G on the plus strand (T>C on the coding strand, the complement: ODAD2 is on the minus strand). VCF-style: chr10-27984181-A-G. GRCh37 (hg19) VCF-style: chr10-28273110-A-G.
Other names: c.682+3T>C (NM_001290020.2).
Identifiers: ClinVar variation 474590 (VCV000474590.8), dbSNP rs763523325, ClinGen allele CA5453757.